The following is an entry in ClinVar:

NM_004168.4(SDHA):c.13C>T (p.Arg5Trp)

Gene: SDHA (succinate dehydrogenase complex flavoprotein subunit A; plus strand). Cytogenetic location: 5p15.33.
Variant type: single nucleotide variant.
Coding change: c.13C>T on transcript NM_004168.4 (MANE Select); coding-DNA position 13, C replaced by T.
Protein change: p.Arg5Trp; replaces arginine 5 with tryptophan.
Molecular consequence: missense variant.
Genome position (GRCh38, 1-based): chr5:218,368, C>T. VCF-style: chr5-218368-C-T. GRCh37 (hg19) VCF-style: chr5-218483-C-T.
Other names: c.13C>T, p.Arg5Trp (NM_001294332.2, NM_001330758.2); short protein forms R5W.
Identifiers: ClinVar variation 412384 (VCV000412384.18), dbSNP rs770866830, ClinGen allele CA16612037.
Genomic context (GRCh38, chr5:218,368, plus strand): 5'-CGCAGTCTGCGCAGGGACTGGCGGGACTGCGCGGCGGCAACAGCAGACATGTCGGGGGTC[C>T]GGGGCCTGTCGCGGCTGCTGAGCGCTCGGCGCCTGGCGCTGGCCAAGGCGGTGAGTCCGT-3'
Protein context (NP_004159.2, residues 1-15): MSGV[Arg5Trp]GLSRLLSARR

ClinVar aggregate classification (germline): Conflicting classifications of pathogenicity. Review status: criteria provided, conflicting classifications (1 of 4 stars). 5 submissions from 5 submitters: Uncertain significance (4); Likely benign (1). Last evaluated 2026-02-06.

Conditions:
Dilated cardiomyopathy 1GG (CMD1GG). Identifiers: Orphanet 154, MedGen C3150898, MONDO:0013339, OMIM 613642.
Neurodegeneration with ataxia and late-onset optic atrophy. Identifiers: MedGen C5543254, MONDO:0031006, OMIM 619259.
Mitochondrial complex II deficiency, nuclear type 1. Also called: SUCCINATE CoQ REDUCTASE DEFICIENCY. Identifiers: Orphanet 3208, MedGen C5700310, MONDO:0100294, OMIM 252011.
Pheochromocytoma/paraganglioma syndrome 5. Also called: SDHA-Related Hereditary Paraganglioma-Pheochromocytoma Syndrome; Paragangliomas 5. Identifiers: Orphanet 29072, MedGen C3279992, MONDO:0013602, OMIM 614165.
Hereditary cancer-predisposing syndrome. Also called: Neoplastic Syndromes, Hereditary; Hereditary Cancer Syndrome; Tumor predisposition; Hereditary neoplastic syndrome. Identifiers: Orphanet 140162, MedGen C0027672, MeSH D009386, MONDO:0015356.

Submissions (5):

Ambry Genetics
Classification: Likely benign for Hereditary cancer-predisposing syndrome. Last evaluated: 2026-02-06. Review status: criteria provided, single submitter. Criteria: Ambry Variant Classification Scheme 2023. Collection method: clinical testing. Allele origin: germline.

Labcorp Genetics (formerly Invitae), Labcorp
Classification: Uncertain significance for Pheochromocytoma/paraganglioma syndrome 5; Mitochondrial complex II deficiency, nuclear type 1. Last evaluated: 2024-11-07. Review status: criteria provided, single submitter. Criteria: Invitae Variant Classification Sherloc (09022015). Collection method: clinical testing. Allele origin: germline.
Comment: This sequence change replaces arginine, which is basic and polar, with tryptophan, which is neutral and slightly polar, at codon 5 of the SDHA protein (p.Arg5Trp). This variant is not present in population databases (gnomAD no frequency). This variant has not been reported in the literature in individuals affected with SDHA-related conditions. ClinVar contains an entry for this variant (Variation ID: 412384). Invitae Evidence Modeling of protein sequence and biophysical properties (such as structural, functional, and spatial information, amino acid conservation, physicochemical variation, residue mobility, and thermodynamic stability) indicates that this missense variant is not expected to disrupt SDHA protein function with a negative predictive value of 95%. In summary, the available evidence is currently insufficient to determine the role of this variant in disease. Therefore, it has been classified as a Variant of Uncertain Significance.

Baylor Genetics
Classification: Uncertain significance for Dilated cardiomyopathy 1GG. Last evaluated: 2024-01-08. Review status: criteria provided, single submitter. Criteria: ACMG Guidelines, 2015. Collection method: clinical testing. Allele origin: unknown.

GeneDx
Classification: Uncertain significance. Last evaluated: 2022-11-08. Review status: criteria provided, single submitter. Criteria: GeneDx Variant Classification Process June 2021. Collection method: clinical testing. Allele origin: germline. Affected: yes.
Comment: In silico analysis supports that this missense variant does not alter protein structure/function; Has not been previously published as pathogenic or benign to our knowledge

Fulgent Genetics
Classification: Uncertain significance for Mitochondrial complex II deficiency, nuclear type 1; Dilated cardiomyopathy 1GG; Pheochromocytoma/paraganglioma syndrome 5; Neurodegeneration with ataxia and late-onset optic atrophy. Last evaluated: 2021-08-04. Review status: criteria provided, single submitter. Criteria: ACMG Guidelines, 2015. Collection method: clinical testing. Allele origin: unknown.